The following is an entry in ClinVar:

NM_145178.4(ATOH7):c.180C>A (p.Phe60Leu)

Gene: ATOH7 (atonal bHLH transcription factor 7; minus strand). Cytogenetic location: 10q21.3.
Variant type: single nucleotide variant.
Coding change: c.180C>A on transcript NM_145178.4 (MANE Select); coding-DNA position 180, C replaced by A.
Protein change: p.Phe60Leu; replaces phenylalanine 60 with leucine.
Molecular consequence: missense variant.
Genome position (GRCh38, 1-based): chr10:68,231,498, G>T on the plus strand (C>A on the coding strand, the complement: ATOH7 is on the minus strand). VCF-style: chr10-68231498-G-T. GRCh37 (hg19) VCF-style: chr10-69991255-G-T.
Other names: short protein forms F60L.
Identifiers: ClinVar variation 1461771 (VCV001461771.6), dbSNP rs2134380564, ClinGen allele CA376836926.

ClinVar aggregate classification (germline): Uncertain significance (1 of 4 stars; one submission).

Allele frequency attached by ClinVar (database versions not stated): gnomAD exomes below 0.00001.

Submission:

Labcorp Genetics (formerly Invitae), Labcorp
Classification: Uncertain significance. Last evaluated: 2023-07-17. Review status: criteria provided, single submitter. Criteria: Invitae Variant Classification Sherloc (09022015). Collection method: clinical testing. Allele origin: germline.
Comment: Algorithms developed to predict the effect of sequence changes on RNA splicing suggest that this variant may disrupt the consensus splice site. An algorithm developed to predict the effect of missense changes on protein structure and function (PolyPhen-2) suggests that this variant is likely to be disruptive. ClinVar contains an entry for this variant (Variation ID: 1461771). This variant has not been reported in the literature in individuals affected with ATOH7-related conditions. This variant is not present in population databases (gnomAD no frequency). This sequence change replaces phenylalanine, which is neutral and non-polar, with leucine, which is neutral and non-polar, at codon 60 of the ATOH7 protein (p.Phe60Leu). In summary, the available evidence is currently insufficient to determine the role of this variant in disease. Therefore, it has been classified as a Variant of Uncertain Significance.